The following is an entry in ClinVar:

NM_033427.3(CTTNBP2):c.1625C>T (p.Pro542Leu)

Gene: CTTNBP2 (cortactin binding protein 2; minus strand). Cytogenetic location: 7q31.31.
Variant type: single nucleotide variant.
Coding change: c.1625C>T on transcript NM_033427.3 (MANE Select); coding-DNA position 1625, C replaced by T.
Protein change: p.Pro542Leu; replaces proline 542 with leucine.
Molecular consequence: missense variant. On other transcripts: 5 prime UTR variant (2).
Genome position (GRCh38, 1-based): chr7:117,791,571, G>A on the plus strand (C>T on the coding strand, the complement: CTTNBP2 is on the minus strand). VCF-style: chr7-117791571-G-A. GRCh37 (hg19) VCF-style: chr7-117431625-G-A.
Other names: c.1571C>T, p.Pro524Leu (NM_001363349.1); c.-310C>T (NM_001363350.1, NM_001363351.1); short protein forms P524L, P542L.
Identifiers: ClinVar variation 2630093 (VCV002630093.2), dbSNP rs2485845551, ClinGen allele CA368994244.

ClinVar aggregate classification (germline): Uncertain significance (1 of 4 stars; one submission).

Conditions:
CTTNBP2-related disorder. Also called: CTTNBP2-related condition.

Submission:

PreventionGenetics, part of Exact Sciences
Classification: Uncertain significance for CTTNBP2-related condition. Last evaluated: 2026-01-02. Review status: criteria provided, single submitter. Criteria: ACMG Guidelines, 2015. Collection method: clinical testing. Allele origin: germline.
Comment: The CTTNBP2 c.1625C>T variant is predicted to result in the amino acid substitution p.Pro542Leu. To our knowledge, this variant has not been reported in the literature or in a large population database (gnomAD), indicating this variant is rare. At this time, the clinical significance of this variant is uncertain due to the absence of conclusive functional and genetic evidence.